The following is an entry in ClinVar:

ClinVar aggregate classification (germline): Uncertain significance. Review status: reviewed by expert panel (3 of 4 stars). 3 submissions from 3 submitters: Uncertain significance (1). 2 of the submissions do not count toward it. Last evaluated 2024-10-29.

Conditions:
Inborn genetic diseases. Identifiers: MedGen C0950123, MeSH D030342.
Hereditary thrombocytopenia and hematologic cancer predisposition syndrome. Identifiers: Orphanet 71290, MedGen CN281654, MONDO:0011071.
Hereditary thrombocytopenia and hematological cancer predisposition syndrome associated with RUNX1. Also called: RUNX1 Familial Platelet Disorder with Associated Myeloid Malignancies; Familial Platelet Disorder with Propensity to Acute Myelogenous Leukemia; Familial thrombocytopenia with propensity to acute myelogenous leukemia; PLATELET DISORDER, ASPIRIN-LIKE. Identifiers: Orphanet 71290, MedGen C1832388, MeSH C563324, MONDO:0100083, OMIM 601399.

Allele frequency attached by ClinVar (database versions not stated): gnomAD exomes below 0.00001; ExAC 0.00001.
gnomAD v4.1: 2 of 1,614,132 alleles (0.00012%); highest among the groups gnomAD compares: Non-Finnish European, 0.00017%; no homozygotes.

Submissions (3):

ClinGen Myeloid Malignancy Variant Curation Expert Panel
Classification: Uncertain significance for Hereditary thrombocytopenia and hematologic cancer predisposition syndrome. Last evaluated: 2024-10-29. Review status: reviewed by expert panel. Criteria: ClinGen MyeloMalig ACMG Specifications v2. Collection method: curation. Allele origin: germline. Inheritance: Autosomal dominant inheritance.
Comment: NM_001754.5(RUNX1):c.461A>G (p.Gln154Arg) is a missense variant which affects one of the residues within the Runt Homology Domain (AA 89-204) but not in an established hotspot residue (PM1_Supporting). This missense variant has a REVEL score ≥ 0.88 (0.938) (PP3). In summary, the clinical significance of this variant is uncertain. ACMG/AMP criteria applied, as specified by the Myeloid Malignancy Variant Curation Expert Panel for RUNX1: PM1_supporting, PP3.

Ambry Genetics
Classification: Uncertain significance for Inborn genetic diseases. Last evaluated: 2025-01-10. Review status: criteria provided, single submitter. Criteria: Ambry Variant Classification Scheme 2023. Collection method: clinical testing. Allele origin: germline. Not counted in ClinVar's aggregate classification.
Comment: The p.Q154R variant (also known as c.461A>G), located in coding exon 4 of the RUNX1 gene, results from an A to G substitution at nucleotide position 461. The glutamine at codon 154 is replaced by arginine, an amino acid with highly similar properties. This amino acid position is conserved. In addition, this alteration is predicted to be deleterious by in silico analysis. Based on the available evidence, the clinical significance of this variant remains unclear.

Labcorp Genetics (formerly Invitae), Labcorp
Classification: Uncertain significance for Hereditary thrombocytopenia and hematological cancer predisposition syndrome associated with RUNX1. Last evaluated: 2021-04-23. Review status: criteria provided, single submitter. Criteria: Invitae Variant Classification Sherloc (09022015). Collection method: clinical testing. Allele origin: germline. Not counted in ClinVar's aggregate classification.
Comment: In summary, the available evidence is currently insufficient to determine the role of this variant in disease. Therefore, it has been classified as a Variant of Uncertain Significance. Algorithms developed to predict the effect of missense changes on protein structure and function are either unavailable or do not agree on the potential impact of this missense change (SIFT: "Tolerated"; PolyPhen-2: "Probably Damaging"; Align-GVGD: "Class C0"). This variant has not been reported in the literature in individuals with RUNX1-related conditions. This variant is present in population databases (rs751954304, ExAC 0.001%). This sequence change replaces glutamine with arginine at codon 154 of the RUNX1 protein (p.Gln154Arg). The glutamine residue is moderately conserved and there is a small physicochemical difference between glutamine and arginine.

NM_001754.5(RUNX1):c.461A>G (p.Gln154Arg)

Genes: RUNX1 (RUNX family transcription factor 1; minus strand), RUNX1-AS1 (RUNX1 antisense RNA 1; plus strand). Cytogenetic location: 21q22.12.
Variant type: single nucleotide variant.
Coding change: c.461A>G on transcript NM_001754.5 (MANE Select); coding-DNA position 461, A replaced by G.
Protein change: p.Gln154Arg; replaces glutamine 154 with arginine.
Molecular consequence: missense variant.
Genome position (GRCh38, 1-based): chr21:34,880,604, T>C on the plus strand (A>G on the coding strand, the complement: RUNX1 is on the minus strand). VCF-style: chr21-34880604-T-C. GRCh37 (hg19) VCF-style: chr21-36252901-T-C.
Other names: NM_001754.5(RUNX1):c.461A>G; p.Gln154Arg; c.461A>G (NM_001754.4); c.380A>G, p.Gln127Arg (NM_001001890.3, NM_001122607.2); short protein forms Q127R, Q154R.
Identifiers: ClinVar variation 1489490 (VCV001489490.10), dbSNP rs751954304, ClinGen allele CA10014510.